The following is an entry in ClinVar:

ClinVar aggregate classification (germline): Uncertain significance. Review status: criteria provided, multiple submitters, no conflicts (2 of 4 stars). 2 submissions from 2 submitters: Uncertain significance (2). Last evaluated 2024-03-08.

Conditions:
Hereditary cancer-predisposing syndrome. Also called: Hereditary neoplastic syndrome; Neoplastic Syndromes, Hereditary; Hereditary Cancer Syndrome; Tumor predisposition. Identifiers: Orphanet 140162, MedGen C0027672, MeSH D009386, MONDO:0015356.

Submissions (2):

Ambry Genetics
Classification: Uncertain significance for Hereditary cancer-predisposing syndrome. Last evaluated: 2024-03-08. Review status: criteria provided, single submitter. Criteria: Ambry Variant Classification Scheme 2023. Collection method: clinical testing. Allele origin: germline.
Comment: The p.A512V variant (also known as c.1535C>T), located in coding exon 10 of the RAD50 gene, results from a C to T substitution at nucleotide position 1535. The alanine at codon 512 is replaced by valine, an amino acid with similar properties. This amino acid position is conserved. In addition, this alteration is predicted to be tolerated by in silico analysis. Based on the available evidence, the clinical significance of this alteration remains unclear.

Labcorp Genetics (formerly Invitae), Labcorp
Classification: Uncertain significance for Hereditary cancer-predisposing syndrome. Last evaluated: 2020-03-18. Review status: criteria provided, single submitter. Criteria: Invitae Variant Classification Sherloc (09022015). Collection method: clinical testing. Allele origin: germline.
Comment: This sequence change replaces alanine with valine at codon 512 of the RAD50 protein (p.Ala512Val). The alanine residue is moderately conserved and there is a small physicochemical difference between alanine and valine. This variant is not present in population databases (ExAC no frequency). This variant has not been reported in the literature in individuals with RAD50-related disease. Algorithms developed to predict the effect of missense changes on protein structure and function output the following: SIFT: "Tolerated"; PolyPhen-2: "Benign"; Align-GVGD: "Class C0". The valine amino acid residue is found in multiple mammalian species, suggesting that this missense change does not adversely affect protein function. These predictions have not been confirmed by published functional studies and their clinical significance is uncertain. In summary, the available evidence is currently insufficient to determine the role of this variant in disease. Therefore, it has been classified as a Variant of Uncertain Significance.

NM_005732.4(RAD50):c.1535C>T (p.Ala512Val)

Gene: RAD50 (RAD50 double strand break repair protein; plus strand). Cytogenetic location: 5q31.1.
Variant type: single nucleotide variant.
Coding change: c.1535C>T on transcript NM_005732.4 (MANE Select); coding-DNA position 1535, C replaced by T.
Protein change: p.Ala512Val; replaces alanine 512 with valine.
Molecular consequence: missense variant.
Genome position (GRCh38, 1-based): chr5:132,591,306, C>T. VCF-style: chr5-132591306-C-T. GRCh37 (hg19) VCF-style: chr5-131926998-C-T.
Other names: short protein forms A512V.
Identifiers: ClinVar variation 659619 (VCV000659619.10), dbSNP rs1561640698, ClinGen allele CA360945758.